The following is an entry in ClinVar:

NM_000135.4(FANCA):c.792G>A (p.Gln264=)

Gene: FANCA (FA complementation group A; minus strand). Cytogenetic location: 16q24.3.
Variant type: single nucleotide variant.
Coding change: c.792G>A on transcript NM_000135.4 (MANE Select); coding-DNA position 792, G replaced by A.
Protein change: p.Gln264=; no amino-acid change (glutamine 264 retained).
Molecular consequence: synonymous variant.
Genome position (GRCh38, 1-based): chr16:89,803,259, C>T on the plus strand (G>A on the coding strand, the complement: FANCA is on the minus strand). VCF-style: chr16-89803259-C-T. GRCh37 (hg19) VCF-style: chr16-89869667-C-T.
Other names: c.792G>A, p.Gln264= (NM_001018112.3, NM_001286167.3); c.696G>A, p.Gln232= (NM_001351830.2).
Identifiers: ClinVar variation 973996 (VCV000973996.2), dbSNP rs2040520107, ClinGen allele CA497195217.

ClinVar aggregate classification (germline): Pathogenic (0 of 4 stars; one submission).

Conditions:
Fanconi anemia complementation group A (FANCA). Also called: FANCA-Related Fanconi Anemia; Fanconi anemia, group A. Identifiers: Orphanet 84, MedGen C3469521, MONDO:0009215, OMIM 227650.

Submissions (2):

Leiden Open Variation Database
Classification: Pathogenic for Fanconi anemia complementation group A. Last evaluated: 2020-02-28. Review status: no assertion criteria provided. Collection method: curation. Allele origin: germline. Affected: yes.
Comment: Curator: Arleen D. Auerbach. Submitter to LOVD: Arleen D. Auerbach.

Dr. Peter K. Rogan Lab, Western University
No classification provided (evidence only). Condition: Squamous cell carcinoma of the head and neck. Review status: no classification provided. Collection method: in vitro. Allele origin: not applicable. Functional consequence: retained intron. Not counted in ClinVar's aggregate classification.